The following is an entry in ClinVar:

NM_001349338.3(FOXP1):c.824C>T (p.Ala275Val)

Gene: FOXP1 (forkhead box P1; minus strand). Cytogenetic location: 3p13.
Variant type: single nucleotide variant.
Coding change: c.824C>T on transcript NM_001349338.3 (MANE Select); coding-DNA position 824, C replaced by T.
Protein change: p.Ala275Val; replaces alanine 275 with valine.
Molecular consequence: missense variant. On other transcripts: non-coding transcript variant (2).
Genome position (GRCh38, 1-based): chr3:71,041,373, G>A on the plus strand (C>T on the coding strand, the complement: FOXP1 is on the minus strand). VCF-style: chr3-71041373-G-A. GRCh37 (hg19) VCF-style: chr3-71090524-G-A.
Other names: c.524C>T, p.Ala175Val (NM_001244813.3, NM_001244815.2, NM_001349342.3 and 1 more transcripts); c.824C>T, p.Ala275Val (NM_001244814.3, NM_001244816.2, NM_001349340.3 and 3 more transcripts); c.521C>T, p.Ala174Val (NM_001349337.2, NM_001349343.3, NM_001349344.3); c.821C>T, p.Ala274Val (NM_001349341.3); c.596C>T, p.Ala199Val (NM_001244812.3); short protein forms A174V, A175V, A199V, A274V, A275V.
Identifiers: ClinVar variation 3623667 (VCV003623667.2).

ClinVar aggregate classification (germline): Uncertain significance (1 of 4 stars; one submission).

gnomAD v4.1: 2 of 1,613,620 alleles (0.00012%); highest among the groups gnomAD compares: Admixed American, 0.0017%; no homozygotes.

Submission:

Labcorp Genetics (formerly Invitae), Labcorp
Classification: Uncertain significance. Last evaluated: 2025-12-01. Review status: criteria provided, single submitter. Criteria: Invitae Variant Classification Sherloc (09022015). Collection method: clinical testing. Allele origin: germline.
Comment: This sequence change replaces alanine, which is neutral and non-polar, with valine, which is neutral and non-polar, at codon 275 of the FOXP1 protein (p.Ala275Val). This variant is not present in population databases (gnomAD no frequency). This variant has not been reported in the literature in individuals affected with FOXP1-related conditions. ClinVar contains an entry for this variant (Variation ID: 3623667). Invitae Evidence Modeling of protein sequence and biophysical properties (such as structural, functional, and spatial information, amino acid conservation, physicochemical variation, residue mobility, and thermodynamic stability) indicates that this missense variant is not expected to disrupt FOXP1 protein function with a negative predictive value of 80%. In summary, the available evidence is currently insufficient to determine the role of this variant in disease. Therefore, it has been classified as a Variant of Uncertain Significance.